The following is an entry in ClinVar:

ClinVar aggregate classification (germline): Likely pathogenic (1 of 4 stars; one submission).

Submission:

Labcorp Genetics (formerly Invitae), Labcorp
Classification: Likely pathogenic. Last evaluated: 2019-06-20. Review status: criteria provided, single submitter. Criteria: Invitae Variant Classification Sherloc (09022015). Collection method: clinical testing. Allele origin: germline.
Comment: In summary, the currently available evidence indicates that the variant is pathogenic, but additional data are needed to prove that conclusively. Therefore, this variant has been classified as Likely Pathogenic. Donor and acceptor splice site variants typically lead to a loss of protein function (PMID: 16199547), and loss-of-function variants in PHEX are known to be pathogenic (PMID: 9097956, 9106524, 19219621). Algorithms developed to predict the effect of sequence changes on RNA splicing suggest that this variant may disrupt the consensus splice site, but this prediction has not been confirmed by published transcriptional studies. This variant is not present in population databases (ExAC no frequency). This sequence change affects a donor splice site in intron 17 of the PHEX gene. It is expected to disrupt RNA splicing and likely results in an absent or disrupted protein product.

Literature cited by the submitters: PubMed 16199547; PubMed 9097956; PubMed 9106524; PubMed 19219621.

NM_000444.6(PHEX):c.1768+1del

Genes: PHEX (phosphate regulating endopeptidase X-linked; plus strand), PTCHD1-AS (PTCHD1 and PHEX antisense RNA; minus strand). Cytogenetic location: Xp22.11.
Variant type: Deletion.
Coding change: c.1768+1del on transcript NM_000444.6 (MANE Select); the canonical splice donor site of the intron after coding-DNA position 1768, one base deleted (G; older notation c.1768+1delG).
Molecular consequence: splice donor variant.
Genome position (GRCh38, 1-based): chrX:22,219,104, G deleted; the last of 2 consecutive G bases (chrX:22,219,103-22,219,104); deleting either gives the same sequence. VCF-style (leftmost placement, unchanged base first): chrX-22219102-TG-T. GRCh37 (hg19) VCF-style: chrX-22237219-TG-T.
Other names: c.1768+1del (NM_001282754.2).
Identifiers: ClinVar variation 937977 (VCV000937977.10), dbSNP rs1935185526, ClinGen allele CA1139667311.